The following is an entry in ClinVar:

ClinVar aggregate classification (germline): Pathogenic (1 of 4 stars; one submission).

Conditions:
Cerebral cavernous malformation 2. Also called: Familial Cerebral Cavernous Malformation 2. Identifiers: Orphanet 221061, MedGen C1864041, MONDO:0011304, OMIM 603284.

Allele frequency attached by ClinVar (database versions not stated): gnomAD exomes below 0.00001.
gnomAD v4.1: 1 of 1,614,210 alleles (0.000062%); highest among the groups gnomAD compares: East Asian, 0.0022%; no homozygotes.

Submission:

Labcorp Genetics (formerly Invitae), Labcorp
Classification: Pathogenic for Cerebral cavernous malformation 2. Last evaluated: 2023-04-10. Review status: criteria provided, single submitter. Criteria: Invitae Variant Classification Sherloc (09022015). Collection method: clinical testing. Allele origin: germline.
Comment: This variant has not been reported in the literature in individuals affected with CCM2-related conditions. This sequence change creates a premature translational stop signal (p.Gln167*) in the CCM2 gene. It is expected to result in an absent or disrupted protein product. Loss-of-function variants in CCM2 are known to be pathogenic (PMID: 18300272, 24689081). This variant is not present in population databases (gnomAD no frequency). For these reasons, this variant has been classified as Pathogenic.

Literature cited by the submitters: PubMed 18300272; PubMed 24689081.

NM_031443.4(CCM2):c.499C>T (p.Gln167Ter)

Gene: CCM2 (CCM2 scaffold protein; plus strand). Cytogenetic location: 7p13.
Variant type: single nucleotide variant.
Coding change: c.499C>T on transcript NM_031443.4 (MANE Select); coding-DNA position 499, C replaced by T.
Protein change: p.Gln167Ter; replaces glutamine 167 with a stop codon.
Molecular consequence: nonsense. On other transcripts: non-coding transcript variant (1), intron variant (1).
Genome position (GRCh38, 1-based): chr7:45,068,469, C>T. VCF-style: chr7-45068469-C-T. GRCh37 (hg19) VCF-style: chr7-45108068-C-T.
Other names: c.562C>T, p.Gln188Ter (NM_001029835.2); c.325C>T, p.Gln109Ter (NM_001167934.2, NM_001363459.2); c.499C>T, p.Gln167Ter (NM_001363458.2); c.472+3823C>T (NM_001167935.2); short protein forms Q109*, Q167*, Q188*.
Identifiers: ClinVar variation 2854742 (VCV002854742.3), dbSNP rs2486135403, ClinGen allele CA367430253.